The following is an entry in ClinVar:

NM_015978.3(TNNI3K):c.71A>G (p.Tyr24Cys)

Genes: FPGT-TNNI3K (FPGT-TNNI3K readthrough; plus strand), TNNI3K (TNNI3 interacting kinase; plus strand). Cytogenetic location: 1p31.1.
Variant type: single nucleotide variant.
Coding change: c.71A>G on transcript NM_015978.3 (MANE Select); coding-DNA position 71, A replaced by G.
Protein change: p.Tyr24Cys; replaces tyrosine 24 with cysteine.
Molecular consequence: missense variant.
Genome position (GRCh38, 1-based): chr1:74,236,132, A>G. VCF-style: chr1-74236132-A-G. GRCh37 (hg19) VCF-style: chr1-74701816-A-G.
Other names: c.374A>G, p.Tyr125Cys (NM_001112808.3, NM_001199327.2); short protein forms Y125C, Y24C.
Identifiers: ClinVar variation 4731342 (VCV004731342.1).

ClinVar aggregate classification (germline): Uncertain significance (1 of 4 stars; one submission).

Submission:

Labcorp Genetics (formerly Invitae), Labcorp
Classification: Uncertain significance. Last evaluated: 2025-12-26. Review status: criteria provided, single submitter. Criteria: Invitae Variant Classification Sherloc (09022015). Collection method: clinical testing. Allele origin: germline.
Comment: This sequence change replaces tyrosine, which is neutral and polar, with cysteine, which is neutral and slightly polar, at codon 24 of the TNNI3K protein (p.Tyr24Cys). This variant is not present in population databases (gnomAD no frequency). This variant has not been reported in the literature in individuals affected with TNNI3K-related conditions. Invitae Evidence Modeling of protein sequence and biophysical properties (such as structural, functional, and spatial information, amino acid conservation, physicochemical variation, residue mobility, and thermodynamic stability) has been performed for this missense variant. However, the output from this modeling did not meet the statistical confidence thresholds required to predict the impact of this variant on TNNI3K protein function. In summary, the available evidence is currently insufficient to determine the role of this variant in disease. Therefore, it has been classified as a Variant of Uncertain Significance.